The following is an entry in ClinVar:

NM_001372044.2(SHANK3):c.3985C>T (p.Pro1329Ser)

Gene: SHANK3 (SH3 and multiple ankyrin repeat domains 3; plus strand). Cytogenetic location: 22q13.33.
Variant type: single nucleotide variant.
Coding change: c.3985C>T on transcript NM_001372044.2 (MANE Select); coding-DNA position 3985, C replaced by T.
Protein change: p.Pro1329Ser; replaces proline 1329 with serine.
Molecular consequence: missense variant.
Genome position (GRCh38, 1-based): chr22:50,721,593, C>T. VCF-style: chr22-50721593-C-T. GRCh37 (hg19) VCF-style: chr22-51160021-C-T.
Other names: c.3760C>T (NM_033517.1); short protein forms P1329S.
Identifiers: ClinVar variation 931280 (VCV000931280.5), dbSNP rs748123356, ClinGen allele CA10326125.
Genomic context (GRCh38, chr22:50,721,593, plus strand): 5'-ACCCCGGAGTTGGCCCCGGCCCCCATGCAGTCAGCGGCTGTGGCAGAGCCCCTGCCCAGC[C>T]CCCGGGCCCAGCCCCCTGGTGGCACCCCGGCAGACGCCGGGCCAGGCCAGGGCAGCTCAG-3'
Protein context (NP_001358973.1, residues 1319-1339): SAAVAEPLPS[Pro1329Ser]RAQPPGGTPA

ClinVar aggregate classification (germline): Conflicting classifications of pathogenicity. Review status: criteria provided, conflicting classifications (1 of 4 stars). 2 submissions from 2 submitters: Uncertain significance (1); Likely benign (1). Last evaluated 2022-10-17.

Conditions:
Phelan-McDermid syndrome. Also called: TELOMERIC 22q13 MONOSOMY SYNDROME; 22q13.3 deletion syndrome; Phelan-McDermid Syndrome-SHANK3 Related. Identifiers: Orphanet 48652, MedGen C1853490, MONDO:0011652, OMIM 606232.

Allele frequency attached by ClinVar (database versions not stated): gnomAD exomes 0.00001 and 0.00002; ExAC 0.00011.

Submissions (2):

GeneDx
Classification: Uncertain significance. Last evaluated: 2022-10-17. Review status: criteria provided, single submitter. Criteria: GeneDx Variant Classification Process June 2021. Collection method: clinical testing. Allele origin: germline. Affected: yes.
Comment: In silico analysis supports that this missense variant has a deleterious effect on protein structure/function; Has not been previously published as pathogenic or benign to our knowledge

Centre for Mendelian Genomics, University Medical Centre Ljubljana
Classification: Likely benign for Phelan-McDermid syndrome. Last evaluated: 2018-10-11. Review status: criteria provided, single submitter. Criteria: ACMG Guidelines, 2015. Collection method: clinical testing. Allele origin: unknown. Affected: yes.
Comment: This variant was classified as: Likely benign. The following ACMG criteria were applied in classifying this variant: BS2,BP1,BP4.